The following is an entry in ClinVar:

ClinVar aggregate classification (germline): Conflicting classifications of pathogenicity. Review status: criteria provided, conflicting classifications (1 of 4 stars). 6 submissions from 6 submitters: Uncertain significance (4); Likely benign (1). 1 of the submissions does not count toward it. Last evaluated 2026-03-10.

Conditions:
PKHD1-related disorder. Also called: PKHD1-related condition.
Autosomal recessive polycystic kidney disease (ARPKD). Also called: AR polycystic kidney disease. Identifiers: Orphanet 731, Orphanet 8378, MedGen C0085548, MeSH D017044, MONDO:0009889.

Allele frequency attached by ClinVar (database versions not stated): ExAC 0.00007; ESP Exome Variant Server 0.00008; gnomAD exomes 0.00015 and 0.00025; gnomAD 0.00023 and 0.00035; TOPMed 0.00052.
gnomAD v4.1: 433 of 1,604,142 alleles (0.027%); highest among the groups gnomAD compares: Admixed American, 0.052%; no homozygotes.

Submissions (6):

PreventionGenetics, part of Exact Sciences
Classification: Uncertain significance for PKHD1-related condition. Last evaluated: 2026-03-10. Review status: criteria provided, single submitter. Criteria: ACMG Guidelines, 2015. Collection method: clinical testing. Allele origin: germline.
Comment: The PKHD1 c.935G>A variant is predicted to result in the amino acid substitution p.Arg312Gln. To our knowledge, this variant has not been reported in the literature. A different substitution of the same amino acid (p.Arg312Trp) was reported along with a PKHD1 multi-exon deletion in an individual with hepatic fibrosis (Qiu et al. 2020. PubMed ID: 33123899). The c.935G>A (p.Arg312Gln) variant is reported in 0.027% of alleles in individuals of European (Non-Finnish) descent in gnomAD. At this time, the clinical significance of this variant is uncertain due to the absence of conclusive functional and genetic evidence.

Labcorp Genetics (formerly Invitae), Labcorp
Classification: Likely benign for Autosomal recessive polycystic kidney disease. Last evaluated: 2026-01-26. Review status: criteria provided, single submitter. Criteria: Invitae Variant Classification Sherloc (09022015). Collection method: clinical testing. Allele origin: germline.

Blueprint Genetics
Classification: Uncertain significance. Last evaluated: 2023-11-22. Review status: criteria provided, single submitter. Criteria: ACMG Guidelines, 2015. Collection method: clinical testing. Allele origin: germline.

Mayo Clinic Laboratories, Mayo Clinic
Classification: Uncertain significance. Last evaluated: 2023-08-25. Review status: criteria provided, single submitter. Criteria: ACMG Guidelines, 2015. Collection method: clinical testing. Allele origin: germline. Observed: 1 variant allele.
Comment: PM2_moderate

Eurofins Ntd Llc (ga)
Classification: Uncertain significance. Last evaluated: 2018-05-15. Review status: criteria provided, single submitter. Criteria: EGL ClinVar v180209 classification definitions. Collection method: clinical testing. Allele origin: germline. Observed: 6 variant alleles, 6 heterozygotes.

Natera, Inc.
Classification: Uncertain significance for Autosomal recessive polycystic kidney disease. Last evaluated: 2017-10-16. Review status: no assertion criteria provided. Collection method: clinical testing. Allele origin: germline. Not counted in ClinVar's aggregate classification.

Literature cited by the submitters: PubMed 33123899 (cited by Mayo Clinic Laboratories, Mayo Clinic).

NM_138694.4(PKHD1):c.935G>A (p.Arg312Gln)

Gene: PKHD1 (PKHD1 ciliary IPT domain containing fibrocystin/polyductin; minus strand). Cytogenetic location: 6p12.2.
Variant type: single nucleotide variant.
Coding change: c.935G>A on transcript NM_138694.4 (MANE Select); coding-DNA position 935, G replaced by A.
Protein change: p.Arg312Gln; replaces arginine 312 with glutamine.
Molecular consequence: missense variant.
Genome position (GRCh38, 1-based): chr6:52,064,996, C>T on the plus strand (G>A on the coding strand, the complement: PKHD1 is on the minus strand). VCF-style: chr6-52064996-C-T. GRCh37 (hg19) VCF-style: chr6-51929794-C-T.
Other names: p.Arg312Gln; c.935G>A, p.Arg312Gln (NM_170724.3); short protein forms R312Q.
Identifiers: ClinVar variation 290975 (VCV000290975.19), dbSNP rs140781915, ClinGen allele CA3853697.